The following is an entry in ClinVar:

ClinVar aggregate classification (germline): Uncertain significance. Review status: criteria provided, single submitter (1 of 4 stars). 2 submissions from 2 submitters: Uncertain significance (1). 1 of the submissions does not count toward it. Last evaluated 2025-08-28.

Conditions:
SLC51A-related disorder. Also called: SLC51A-related condition.

Allele frequency attached by ClinVar (database versions not stated): gnomAD 0.00005; ExAC 0.00012; ESP Exome Variant Server 0.00015.

Submissions (2):

Ambry Genetics
Classification: Uncertain significance. Last evaluated: 2025-08-28. Review status: criteria provided, single submitter. Criteria: Ambry Variant Classification Scheme 2023. Collection method: clinical testing. Allele origin: germline.

PreventionGenetics, part of Exact Sciences
Classification: Uncertain significance for SLC51A-related condition. Last evaluated: 2024-09-05. Review status: no assertion criteria provided. Collection method: clinical testing. Allele origin: germline. Not counted in ClinVar's aggregate classification.
Comment: The SLC51A c.461T>C variant is predicted to result in the amino acid substitution p.Met154Thr. To our knowledge, this variant has not been reported in the literature. This variant is reported in 0.019% of alleles in individuals of European (Non-Finnish) descent in gnomAD. At this time, the clinical significance of this variant is uncertain due to the absence of conclusive functional and genetic evidence.

NM_152672.6(SLC51A):c.461T>C (p.Met154Thr)

Gene: SLC51A (solute carrier family 51 member A; plus strand). Cytogenetic location: 3q29.
Variant type: single nucleotide variant.
Coding change: c.461T>C on transcript NM_152672.6 (MANE Select); coding-DNA position 461, T replaced by C.
Protein change: p.Met154Thr; replaces methionine 154 with threonine.
Molecular consequence: missense variant.
Genome position (GRCh38, 1-based): chr3:196,228,213, T>C. VCF-style: chr3-196228213-T-C. GRCh37 (hg19) VCF-style: chr3-195955084-T-C.
Other names: short protein forms M154T.
Identifiers: ClinVar variation 3165168 (VCV003165168.3), dbSNP rs143576972, ClinGen allele CA2779100.